The following is an entry in ClinVar:

NM_006506.5(RASA2):c.527+15dup

Gene: RASA2 (RAS p21 protein activator 2; plus strand). Cytogenetic location: 3q23.
Variant type: Duplication.
Coding change: c.527+15dup on transcript NM_006506.5 (MANE Select); 15 bases into the intron after coding-DNA position 527, one base duplicated (T; older notation c.527+15dupT).
Molecular consequence: intron variant.
Genome position (GRCh38, 1-based): chr3:141,540,624, T duplicated; the last of 8 consecutive T bases (chr3:141,540,617-141,540,624); duplicating any one gives the same sequence. VCF-style (leftmost placement, unchanged base first): chr3-141540616-A-AT. GRCh37 (hg19) VCF-style: chr3-141259458-A-AT.
Other names: c.527+15dup (NM_001303245.3, NM_001303246.3).
Identifiers: ClinVar variation 917682 (VCV000917682.9), dbSNP rs562128860, ClinGen allele CA2645219.

ClinVar aggregate classification (germline): Benign/Likely benign. Review status: criteria provided, multiple submitters, no conflicts (2 of 4 stars). 3 submissions from 3 submitters: Benign (2); Likely benign (1). Last evaluated 2026-01-05.

Submissions (3):

Labcorp Genetics (formerly Invitae), Labcorp
Classification: Benign. Last evaluated: 2026-01-05. Review status: criteria provided, single submitter. Criteria: Invitae Variant Classification Sherloc (09022015). Collection method: clinical testing. Allele origin: germline.

Blueprint Genetics
Classification: Likely benign. Last evaluated: 2024-03-19. Review status: criteria provided, single submitter. Criteria: ACMG Guidelines, 2015. Collection method: clinical testing. Allele origin: germline.

Women's Health and Genetics/Laboratory Corporation of America, LabCorp
Classification: Benign. Last evaluated: 2020-02-24. Review status: criteria provided, single submitter. Criteria: LabCorp Variant Classification Summary - May 2015. Collection method: clinical testing. Allele origin: germline.
Comment: Variant summary: RASA2 c.527+15dupT results in the duplication of one nucleotide, that elongates an 8 nucleotides long poly T tract located close to a canonical splice site and therefore could affect mRNA splicing, leading to a significantly altered protein sequence. 3/3 computational tools predict no significant impact on normal splicing. However, these predictions have yet to be confirmed by functional studies. The variant allele was found at a frequency of 0.00022 in 231154 control chromosomes, predominantly at a frequency of 0.00092 within the South Asian subpopulation in the gnomAD database (exomes dataset). The observed variant frequency within South Asian control individuals in the gnomAD database is approximately 180 fold of the estimated maximal expected allele frequency for a pathogenic variant in RASA2 causing Noonan Syndrome and Related Conditions phenotype (5e-06), strongly suggesting that the variant is a benign polymorphism. To our knowledge, no occurrence of c.527+15dupT in individuals affected with Noonan Syndrome and Related Conditions and no experimental evidence demonstrating its impact on protein function have been reported. No clinical diagnostic laboratories have submitted clinical-significance assessments for this variant to ClinVar after 2014. Based on the evidence outlined above, the variant was classified as benign.